The following is an entry in ClinVar:

NM_000395.3(CSF2RB):c.2170G>C (p.Gly724Arg)

Gene: CSF2RB (colony stimulating factor 2 receptor subunit beta; plus strand). Cytogenetic location: 22q12.3.
Variant type: single nucleotide variant.
Coding change: c.2170G>C on transcript NM_000395.3 (MANE Select); coding-DNA position 2170, G replaced by C.
Protein change: p.Gly724Arg; replaces glycine 724 with arginine.
Molecular consequence: missense variant.
Genome position (GRCh38, 1-based): chr22:36,937,978, G>C. VCF-style: chr22-36937978-G-C. GRCh37 (hg19) VCF-style: chr22-37334020-G-C.
Other names: short protein forms G724R.
Identifiers: ClinVar variation 1372003 (VCV001372003.8), dbSNP rs377111947, ClinGen allele CA10214052.

ClinVar aggregate classification (germline): Uncertain significance (1 of 4 stars; one submission).

Allele frequency attached by ClinVar (database versions not stated): gnomAD 0.00005; TOPMed 0.00005; ExAC 0.00007; ESP Exome Variant Server 0.00008; gnomAD exomes 0.00011.
gnomAD v4.1: 80 of 1,614,002 alleles (0.005%); highest among the groups gnomAD compares: Admixed American, 0.048%; no homozygotes.

Submission:

Labcorp Genetics (formerly Invitae), Labcorp
Classification: Uncertain significance. Last evaluated: 2025-09-24. Review status: criteria provided, single submitter. Criteria: Invitae Variant Classification Sherloc (09022015). Collection method: clinical testing. Allele origin: germline.
Comment: This sequence change replaces glycine, which is neutral and non-polar, with arginine, which is basic and polar, at codon 724 of the CSF2RB protein (p.Gly724Arg). This variant is present in population databases (rs377111947, gnomAD 0.05%). This variant has not been reported in the literature in individuals affected with CSF2RB-related conditions. ClinVar contains an entry for this variant (Variation ID: 1372003). Invitae Evidence Modeling of protein sequence and biophysical properties (such as structural, functional, and spatial information, amino acid conservation, physicochemical variation, residue mobility, and thermodynamic stability) indicates that this missense variant is expected to disrupt CSF2RB protein function with a positive predictive value of 80%. In summary, the available evidence is currently insufficient to determine the role of this variant in disease. Therefore, it has been classified as a Variant of Uncertain Significance.